The following is an entry in ClinVar:

ClinVar aggregate classification (germline): Uncertain significance (1 of 4 stars; one submission).

Conditions:
Bloom syndrome (BLM). Also called: Bloom-Torre-Machacek syndrome. Identifiers: Orphanet 125, MedGen C0005859, MONDO:0008876, OMIM 210900.

Submission:

Labcorp Genetics (formerly Invitae), Labcorp
Classification: Uncertain significance for Bloom syndrome. Last evaluated: 2023-07-17. Review status: criteria provided, single submitter. Criteria: Invitae Variant Classification Sherloc (09022015). Collection method: clinical testing. Allele origin: germline.
Comment: In summary, the available evidence is currently insufficient to determine the role of this variant in disease. Therefore, it has been classified as a Variant of Uncertain Significance. Advanced modeling of protein sequence and biophysical properties (such as structural, functional, and spatial information, amino acid conservation, physicochemical variation, residue mobility, and thermodynamic stability) has been performed at Invitae for this missense variant, however the output from this modeling did not meet the statistical confidence thresholds required to predict the impact of this variant on BLM protein function. This variant has not been reported in the literature in individuals affected with BLM-related conditions. This variant is not present in population databases (gnomAD no frequency). This sequence change replaces proline, which is neutral and non-polar, with threonine, which is neutral and polar, at codon 387 of the BLM protein (p.Pro387Thr).

NM_000057.4(BLM):c.1159C>A (p.Pro387Thr)

Gene: BLM (BLM RecQ like helicase; plus strand). Cytogenetic location: 15q26.1.
Variant type: single nucleotide variant.
Coding change: c.1159C>A on transcript NM_000057.4 (MANE Select); coding-DNA position 1159, C replaced by A.
Protein change: p.Pro387Thr; replaces proline 387 with threonine.
Molecular consequence: missense variant.
Genome position (GRCh38, 1-based): chr15:90,760,218, C>A. VCF-style: chr15-90760218-C-A. GRCh37 (hg19) VCF-style: chr15-91303448-C-A.
Other names: c.1159C>A, p.Pro387Thr (NM_001287246.2, NM_001287247.2); c.34C>A, p.Pro12Thr (NM_001287248.2); short protein forms P12T, P387T.
Identifiers: ClinVar variation 3003403 (VCV003003403.3), dbSNP rs2151157378, ClinGen allele CA393842441.